The following is an entry in ClinVar:

ClinVar aggregate classification (germline): Uncertain significance (1 of 4 stars; one submission).

gnomAD v4.1: 1 of 1,613,558 alleles (0.000062%); highest among the groups gnomAD compares: Non-Finnish European, 0.000085%; no homozygotes.

Submission:

Labcorp Genetics (formerly Invitae), Labcorp
Classification: Uncertain significance. Last evaluated: 2024-10-05. Review status: criteria provided, single submitter. Criteria: Invitae Variant Classification Sherloc (09022015). Collection method: clinical testing. Allele origin: germline.
Comment: This sequence change replaces glutamic acid, which is acidic and polar, with lysine, which is basic and polar, at codon 175 of the CACNA1D protein (p.Glu175Lys). This variant is not present in population databases (gnomAD no frequency). This variant has not been reported in the literature in individuals affected with CACNA1D-related conditions. Invitae Evidence Modeling of protein sequence and biophysical properties (such as structural, functional, and spatial information, amino acid conservation, physicochemical variation, residue mobility, and thermodynamic stability) indicates that this missense variant is expected to disrupt CACNA1D protein function with a positive predictive value of 80%. In summary, the available evidence is currently insufficient to determine the role of this variant in disease. Therefore, it has been classified as a Variant of Uncertain Significance.

NM_001128840.3(CACNA1D):c.523G>A (p.Glu175Lys)

Gene: CACNA1D (calcium voltage-gated channel subunit alpha1 D; plus strand). Cytogenetic location: 3p21.1.
Variant type: single nucleotide variant.
Coding change: c.523G>A on transcript NM_001128840.3 (MANE Select); coding-DNA position 523, G replaced by A.
Protein change: p.Glu175Lys; replaces glutamic acid 175 with lysine.
Molecular consequence: missense variant.
Genome position (GRCh38, 1-based): chr3:53,650,818, G>A. VCF-style: chr3-53650818-G-A. GRCh37 (hg19) VCF-style: chr3-53684845-G-A.
Other names: c.523G>A, p.Glu175Lys (NM_000720.4, NM_001128839.3); short protein forms E175K.
Identifiers: ClinVar variation 3666233 (VCV003666233.2).